The following is an entry in ClinVar:

NC_000018.10:g.22169190A>T

Gene: GATA6 (GATA binding protein 6; plus strand). Cytogenetic location: 18q11.2.
Variant type: single nucleotide variant.
Genome position: GRCh38 VCF-style: chr18-22169190-A-T. GRCh37 (hg19) VCF-style: chr18-19749151-A-T.
Identifiers: ClinVar variation 1044423 (VCV001044423.7), dbSNP rs916466917, ClinGen allele CA297145413.
Genomic context (GRCh38, chr18:22,169,190, plus strand): 5'-GCGACTGCGGGAGCGGGAGGGTGCACCGCCGCTGGATGGGTGCGGGTCGCTAGCCAGGTC[A>T]GGCGTTCTGTGGCCTCCGCCCCTCCCCCGGGGTCCCTGGGCTCGGTGCCCCCCGGGTGGA-3'

ClinVar aggregate classification (germline): Uncertain significance (1 of 4 stars; one submission).

Conditions:
Atrioventricular septal defect 5 (AVSD5). Identifiers: MedGen C3280939, MONDO:0013769, OMIM 614474.

Allele frequency attached by ClinVar (database versions not stated): gnomAD 0.00001 and 0.00002; TOPMed 0.00004.

Submission:

Labcorp Genetics (formerly Invitae), Labcorp
Classification: Uncertain significance for Atrioventricular septal defect 5. Last evaluated: 2025-01-06. Review status: criteria provided, single submitter. Criteria: Invitae Variant Classification Sherloc (09022015). Collection method: clinical testing. Allele origin: germline.
Comment: This variant occurs in a non-coding region of the GATA6 gene. It does not change the encoded amino acid sequence of the GATA6 protein. This variant is present in population databases (no rsID available, gnomAD 0.06%). This variant has not been reported in the literature in individuals affected with GATA6-related conditions. Experimental studies and prediction algorithms are not available or were not evaluated, and the functional significance of this variant is currently unknown. In summary, the available evidence is currently insufficient to determine the role of this variant in disease. Therefore, it has been classified as a Variant of Uncertain Significance.